The following is an entry in ClinVar:

NM_153646.4(SLC24A4):c.1095G>A (p.Pro365=)

Gene: SLC24A4 (solute carrier family 24 member 4; plus strand). Cytogenetic location: 14q32.12.
Variant type: single nucleotide variant.
Coding change: c.1095G>A on transcript NM_153646.4 (MANE Select); coding-DNA position 1095, G replaced by A.
Protein change: p.Pro365=; no amino-acid change (proline 365 retained).
Molecular consequence: synonymous variant.
Genome position (GRCh38, 1-based): chr14:92,456,448, G>A. VCF-style: chr14-92456448-G-A. GRCh37 (hg19) VCF-style: chr14-92922792-G-A.
Other names: c.1095G>A, p.Pro365= (NM_001378620.1); c.1038G>A, p.Pro346= (NM_001425254.1, NM_153647.4); c.903G>A, p.Pro301= (NM_153648.4).
Identifiers: ClinVar variation 4873245 (VCV004873245.2).

ClinVar aggregate classification (germline): Likely benign (1 of 4 stars; one submission).

gnomAD v4.1: 40 of 1,614,088 alleles (0.0025%); highest among the groups gnomAD compares: South Asian, 0.014%; no homozygotes.

Submission:

CeGaT Center for Human Genetics Tuebingen
Classification: Likely benign. Last evaluated: 2026-06-01. Review status: criteria provided, single submitter. Criteria: CeGaT Center For Human Genetics Tuebingen Variant Classification Criteria Version 2. Collection method: clinical testing. Allele origin: germline. Affected: yes. Observed: 1 variant allele.
Comment: SLC24A4: BP4, BP7